The following is an entry in ClinVar:

NC_000005.9:g.(?_150632778)_(150646494_?)dup

Gene: GM2A (ganglioside GM2 activator; plus strand). Cytogenetic location: 5q33.1.
Variant type: Duplication.
Identifiers: ClinVar variation 2423037 (VCV002423037.4).

ClinVar aggregate classification (germline): Uncertain significance (1 of 4 stars; one submission).

Conditions:
Tay-Sachs disease, variant AB. Also called: Gm2-gangliosidosis, ab variant; GM2 Activator Deficiency. Identifiers: Orphanet 309246, MedGen C0268275, MONDO:0010099, OMIM 272750.

Submission:

Labcorp Genetics (formerly Invitae), Labcorp
Classification: Uncertain significance for Tay-Sachs disease, variant AB. Last evaluated: 2022-07-01. Review status: criteria provided, single submitter. Criteria: Invitae Variant Classification Sherloc (09022015). Collection method: clinical testing. Allele origin: germline.
Comment: In summary, the available evidence is currently insufficient to determine the role of this variant in disease. Therefore, it has been classified as a Variant of Uncertain Significance. Experimental studies and prediction algorithms are not available or were not evaluated, and the functional significance of this variant is currently unknown. This variant has not been reported in the literature in individuals affected with GM2A-related conditions. This variant results in a copy number gain of the genomic region encompassing exon(s) 1-3 of the GM2A gene. This region includes the initiator codon of the gene. This copy number gain extends beyond the assayed region for this gene and therefore may encompass additional genes. As the precise location of this event is unknown, it may be in tandem or it may be located elsewhere in the genome.